The following is an entry in ClinVar:

ClinVar aggregate classification (germline): Uncertain significance. Review status: criteria provided, multiple submitters, no conflicts (2 of 4 stars). 4 submissions from 4 submitters: Uncertain significance (4). Last evaluated 2026-01-29.

Conditions:
Emery-Dreifuss muscular dystrophy 4, autosomal dominant (EDMD4). Also called: EMERY-DREIFUSS MUSCULAR DYSTROPHY 4 WITH VARIABLE FEATURES. Identifiers: Orphanet 261, MedGen C2751807, MONDO:0013071, OMIM 612998.
Autosomal recessive ataxia, Beauce type. Also called: SYNE1-Related Autosomal Recessive Cerebellar Ataxia; SYNE1 Deficiency; Spinocerebellar ataxia, autosomal recessive 8; ATAXIA, RECESSIVE, OF BEAUCE. Identifiers: Orphanet 88644, MedGen C1853116, MONDO:0012549, OMIM 610743.

Allele frequency attached by ClinVar (database versions not stated): TOPMed 0.00008; gnomAD 0.00009 and 0.00010; ExAC 0.00014; ESP Exome Variant Server 0.00023.
gnomAD v4.1: 140 of 1,614,004 alleles (0.0087%); highest among the groups gnomAD compares: Non-Finnish European, 0.01%; no homozygotes.

Submissions (4):

Women's Health and Genetics/Laboratory Corporation of America, LabCorp
Classification: Uncertain significance. Last evaluated: 2026-01-29. Review status: criteria provided, single submitter. Criteria: LabCorp Variant Classification Summary - May 2015. Collection method: clinical testing. Allele origin: germline.
Comment: Variant summary: SYNE1 c.25C>T (p.Arg9Trp) results in a non-conservative amino acid change in the encoded protein sequence. Algorithms developed to predict the effect of missense changes on protein structure and function are either unavailable or do not agree on the potential impact of this missense change. The variant allele was found at a frequency of 0.00011 in 251294 control chromosomes. This frequency is not significantly higher than estimated for disease-causing variants in SYNE1, allowing no conclusion about variant significance. To our knowledge, no occurrence of c.25C>T in individuals affected with SYNE1-related conditions and no experimental evidence demonstrating its impact on protein function have been reported. ClinVar contains an entry for this variant (Variation ID: 448593). Based on the evidence outlined above, the variant was classified as uncertain significance.

Labcorp Genetics (formerly Invitae), Labcorp
Classification: Uncertain significance for Emery-Dreifuss muscular dystrophy 4, autosomal dominant; Autosomal recessive ataxia, Beauce type. Last evaluated: 2024-11-16. Review status: criteria provided, single submitter. Criteria: Invitae Variant Classification Sherloc (09022015). Collection method: clinical testing. Allele origin: germline.
Comment: This sequence change replaces arginine, which is basic and polar, with tryptophan, which is neutral and slightly polar, at codon 9 of the SYNE1 protein (p.Arg9Trp). This variant is present in population databases (rs200346529, gnomAD 0.03%). This variant has not been reported in the literature in individuals affected with SYNE1-related conditions. ClinVar contains an entry for this variant (Variation ID: 448593). An algorithm developed to predict the effect of missense changes on protein structure and function (PolyPhen-2) suggests that this variant is likely to be disruptive. In summary, the available evidence is currently insufficient to determine the role of this variant in disease. Therefore, it has been classified as a Variant of Uncertain Significance.

Blueprint Genetics
Classification: Uncertain significance. Last evaluated: 2024-10-03. Review status: criteria provided, single submitter. Criteria: ACMG Guidelines, 2015. Collection method: clinical testing. Allele origin: germline.

Athena Diagnostics
Classification: Uncertain significance. Last evaluated: 2022-03-15. Review status: criteria provided, single submitter. Criteria: Athena Diagnostics Criteria. Collection method: clinical testing. Allele origin: unknown.

NM_182961.4(SYNE1):c.25C>T (p.Arg9Trp)

Gene: SYNE1 (spectrin repeat containing nuclear envelope protein 1; minus strand). Cytogenetic location: 6q25.2.
Variant type: single nucleotide variant.
Coding change: c.25C>T on transcript NM_182961.4 (MANE Select); coding-DNA position 25, C replaced by T.
Protein change: p.Arg9Trp; replaces arginine 9 with tryptophan.
Molecular consequence: missense variant.
Genome position (GRCh38, 1-based): chr6:152,628,307, G>A on the plus strand (C>T on the coding strand, the complement: SYNE1 is on the minus strand). VCF-style: chr6-152628307-G-A. GRCh37 (hg19) VCF-style: chr6-152949442-G-A.
Other names: c.25C>T, p.Arg9Trp (NM_033071.5); short protein forms R9W.
Identifiers: ClinVar variation 448593 (VCV000448593.11), dbSNP rs200346529, ClinGen allele CA4059917.